The following is an entry in ClinVar:

ClinVar aggregate classification (germline): not provided (0 of 4 stars; one submission).

Conditions:
Large for gestational age. Identifiers: MedGen C1848395, HP:0001520.

Submission:

Institute of Molecular and Cell Biology, University of Tartu
No classification provided. Condition: Large for gestational age. Review status: no classification provided. Collection method: case-control. Allele origin: unknown. Affected: yes. Study: Kasak2014.
Comment: The study aimed to determine the contribution of copy number variants in the genetic etiology of normal and complicated pregnancies. The samples represented (i) maternal blood DNA drawn from healthy pregnant women during 1st or 2nd trimester and (ii) maternal and paternal blood DNA drawn at term pregnancy cases representing normal and complicated gestations (severe preeclampsia, PE; gestational diabetes, GD; small-for-gestational age newborn, SGA; large-for-gestational age newborn, LGA). We performed CNV calling based on genome-wide genotyping dataset (Illumina HumanOmniExpress-24-v1 BeadChip) by applying three algorithms, QuantiSNP, GADA (Genome Alteration Detection Algorithm) and CNstream in parallel. The acquired CNV calls were merged with HD-CNV (Hotspot Detector for Copy Number Variants) program and only the CNVs predicted by at least two programs, were considered in subsequent analysis.

Literature cited by the submitters: PubMed 25666259.

NC_000007.14:g.151893201_151902419del

Variant type: Deletion.
Genome position: GRCh38: chr7:151,893,201-151,902,419. GRCh37 (hg19): chr7:151,590,286-151,599,504.
Identifiers: ClinVar variation 157081 (VCV000157081.3), ClinGen allele CA212205.